The following is an entry in ClinVar:

ClinVar aggregate classification (germline): Conflicting classifications of pathogenicity. Review status: criteria provided, conflicting classifications (1 of 4 stars). 3 submissions from 3 submitters: Uncertain significance (1); Likely benign (1). 1 of the submissions does not count toward it. Last evaluated 2025-12-24.

Conditions:
Inborn genetic diseases. Identifiers: MedGen C0950123, MeSH D030342.
NBAS-related disorder. Also called: NBAS-related condition.

Allele frequency attached by ClinVar (database versions not stated): gnomAD exomes 0.00010; ExAC 0.00011; TOPMed 0.00013; ESP Exome Variant Server 0.00015; 1000 Genomes Project 30x 0.00016; 1000 Genomes Project 0.00020.
gnomAD v4.1: 62 of 1,614,036 alleles (0.0038%); highest among the groups gnomAD compares: African/African-American, 0.036%; no homozygotes.

Submissions (3):

Labcorp Genetics (formerly Invitae), Labcorp
Classification: Likely benign. Last evaluated: 2025-12-24. Review status: criteria provided, single submitter. Criteria: Invitae Variant Classification Sherloc (09022015). Collection method: clinical testing. Allele origin: germline.

Ambry Genetics
Classification: Uncertain significance for Inborn genetic diseases. Last evaluated: 2024-12-16. Review status: criteria provided, single submitter. Criteria: Ambry Variant Classification Scheme 2023. Collection method: clinical testing. Allele origin: germline.

PreventionGenetics, part of Exact Sciences
Classification: Uncertain significance for NBAS-related condition. Last evaluated: 2024-05-08. Review status: no assertion criteria provided. Collection method: clinical testing. Allele origin: germline. Not counted in ClinVar's aggregate classification.
Comment: The NBAS c.1450C>T variant is predicted to result in the amino acid substitution p.Arg484Cys. To our knowledge, this variant has not been reported in the literature. This variant is reported in 0.064% of alleles in individuals of African descent in gnomAD. Although we suspect that this variant may be benign, at this time, the clinical significance of this variant is uncertain due to the absence of conclusive functional and genetic evidence.

NM_015909.4(NBAS):c.1450C>T (p.Arg484Cys)

Gene: NBAS (NBAS subunit of NRZ tethering complex; minus strand). Cytogenetic location: 2p24.3.
Variant type: single nucleotide variant.
Coding change: c.1450C>T on transcript NM_015909.4 (MANE Select); coding-DNA position 1450, C replaced by T.
Protein change: p.Arg484Cys; replaces arginine 484 with cysteine.
Molecular consequence: missense variant. On other transcripts: non-coding transcript variant (1).
Genome position (GRCh38, 1-based): chr2:15,474,216, G>A on the plus strand (C>T on the coding strand, the complement: NBAS is on the minus strand). VCF-style: chr2-15474216-G-A. GRCh37 (hg19) VCF-style: chr2-15614340-G-A.
Other names: c.1450C>T (NM_015909.2, NM_015909.3); short protein forms R484C.
Identifiers: ClinVar variation 1424532 (VCV001424532.11), dbSNP rs145177445, ClinGen allele CA1536677.
Genomic context (GRCh38, chr2:15,474,216, plus strand): 5'-GTGCAAATCGCTCCATTTCAGTCACCAAGTAAAGGCCCTGTTTTATATAACCAAAGTAGC[G>A]AGCCTTGGCAGATATTTCATAATCAGAATCAGAATCCTCTTCTCCTTCATCTTCTTCTCC-3'
Protein context (NP_056993.2, residues 474-494): DSDYEISAKA[Arg484Cys]YFGYIKQGLY